The following is an entry in ClinVar:

ClinVar aggregate classification (germline): Uncertain significance (1 of 4 stars; one submission).

Submission:

Labcorp Genetics (formerly Invitae), Labcorp
Classification: Uncertain significance. Last evaluated: 2022-05-21. Review status: criteria provided, single submitter. Criteria: Invitae Variant Classification Sherloc (09022015). Collection method: clinical testing. Allele origin: germline.
Comment: In summary, the available evidence is currently insufficient to determine the role of this variant in disease. Therefore, it has been classified as a Variant of Uncertain Significance. Experimental studies and prediction algorithms are not available or were not evaluated, and the functional significance of this variant is currently unknown. This variant has not been reported in the literature in individuals affected with COL18A1-related conditions. This variant is not present in population databases (gnomAD no frequency). This sequence change replaces lysine, which is basic and polar, with asparagine, which is neutral and polar, at codon 1067 of the COL18A1 protein (p.Lys1067Asn).

NM_001379500.1(COL18A1):c.3210G>T (p.Lys1070Asn)

Genes: COL18A1 (collagen type XVIII alpha 1 chain; plus strand), SLC19A1 (solute carrier family 19 member 1; minus strand). Cytogenetic location: 21q22.3.
Variant type: single nucleotide variant.
Coding change: c.3210G>T on transcript NM_001379500.1 (MANE Select); coding-DNA position 3210, G replaced by T.
Protein change: p.Lys1070Asn; replaces lysine 1070 with asparagine.
Molecular consequence: missense variant.
Genome position (GRCh38, 1-based): chr21:45,505,960, G>T. VCF-style: chr21-45505960-G-T. GRCh37 (hg19) VCF-style: chr21-46925874-G-T.
Other names: c.3741G>T, p.Lys1247Asn (NM_030582.4); c.4446G>T, p.Lys1482Asn (NM_130444.3); short protein forms K1070N, K1247N, K1482N.
Identifiers: ClinVar variation 1910272 (VCV001910272.5), dbSNP rs2037178626, ClinGen allele CA410500149.